The following is an entry in ClinVar:

NM_001849.4(COL6A2):c.1770+2T>C

Gene: COL6A2 (collagen type VI alpha 2 chain; plus strand). Cytogenetic location: 21q22.3.
Variant type: single nucleotide variant.
Coding change: c.1770+2T>C on transcript NM_001849.4 (MANE Select); the canonical splice donor site of the intron after coding-DNA position 1770, T replaced by C.
Molecular consequence: splice donor variant.
Genome position (GRCh38, 1-based): chr21:46,124,922, T>C. VCF-style: chr21-46124922-T-C. GRCh37 (hg19) VCF-style: chr21-47544836-T-C.
Other names: c.1770+2T>C (NM_058175.3, NM_058174.3).
Identifiers: ClinVar variation 2742619 (VCV002742619.3), dbSNP rs2517014824, ClinGen allele CA410537685.
Genomic context (GRCh38, chr21:46,124,922, plus strand): 5'-CAGCCTCATCCTTCCTTCCCCAGGGTGAGCCCGGCCCCCCTGGAGACCCCGGTCTCACGG[T>C]AGGTGTCACATGGGGCAGAACCAGTGTCCTTCTCCTGCCAAAACTAGACACCAAGAGCAG-3'

ClinVar aggregate classification (germline): Likely pathogenic (1 of 4 stars; one submission).

Conditions:
Bethlem myopathy 1A. Also called: Bethlem myopathy 1; Bethlem Muscular Dystrophy; MYOPATHY, BENIGN CONGENITAL, WITH CONTRACTURES. Identifiers: Orphanet 610, MedGen CN029274, MONDO:0024530, OMIM 158810.

Submission:

Labcorp Genetics (formerly Invitae), Labcorp
Classification: Likely pathogenic for Bethlem myopathy 1A. Last evaluated: 2022-12-10. Review status: criteria provided, single submitter. Criteria: Invitae Variant Classification Sherloc (09022015). Collection method: clinical testing. Allele origin: germline.
Comment: In summary, the currently available evidence indicates that the variant is pathogenic, but additional data are needed to prove that conclusively. Therefore, this variant has been classified as Likely Pathogenic. Algorithms developed to predict the effect of sequence changes on RNA splicing suggest that this variant may disrupt the consensus splice site. This variant has not been reported in the literature in individuals affected with COL6A2-related conditions. This variant is not present in population databases (gnomAD no frequency). This sequence change affects a donor splice site in intron 23 of the COL6A2 gene. It is expected to disrupt RNA splicing. Variants that disrupt the donor or acceptor splice site typically lead to a loss of protein function (PMID: 16199547), and loss-of-function variants in COL6A2 are known to be pathogenic (PMID: 19884007, 20976770).

Literature cited by the submitters: PubMed 16199547; PubMed 19884007; PubMed 20976770.